The following is an entry in ClinVar:

ClinVar aggregate classification (germline): Uncertain significance (1 of 4 stars; one submission).

Conditions:
Hereditary spastic paraplegia 48. Also called: SPASTIC PARAPLEGIA 48, AUTOSOMAL RECESSIVE; Spastic paraplegia 48. Identifiers: Orphanet 306511, MedGen C3150901, MONDO:0013342, OMIM 613647.

Allele frequency attached by ClinVar (database versions not stated): ExAC 0.00004; gnomAD exomes 0.00004; gnomAD 0.00011 and 0.00013; TOPMed 0.00011; ESP Exome Variant Server 0.00016.
gnomAD v4.1: 30 of 1,611,238 alleles (0.0019%); highest among the groups gnomAD compares: African/African-American, 0.031%; no homozygotes.

Submissions (2):

Labcorp Genetics (formerly Invitae), Labcorp
Classification: Uncertain significance for Hereditary spastic paraplegia 48. Last evaluated: 2022-08-09. Review status: criteria provided, single submitter. Criteria: Invitae Variant Classification Sherloc (09022015). Collection method: clinical testing. Allele origin: germline.
Comment: In summary, the available evidence is currently insufficient to determine the role of this variant in disease. Therefore, it has been classified as a Variant of Uncertain Significance. Algorithms developed to predict the effect of sequence changes on RNA splicing suggest that this variant may create or strengthen a splice site. Algorithms developed to predict the effect of missense changes on protein structure and function output the following: SIFT: "Tolerated"; PolyPhen-2: "Benign"; Align-GVGD: "Class C0". The valine amino acid residue is found in multiple mammalian species, which suggests that this missense change does not adversely affect protein function. ClinVar contains an entry for this variant (Variation ID: 567859). This variant has not been reported in the literature in individuals affected with AP5Z1-related conditions. This variant is present in population databases (rs370300896, gnomAD 0.04%). This sequence change replaces alanine, which is neutral and non-polar, with valine, which is neutral and non-polar, at codon 562 of the AP5Z1 protein (p.Ala562Val).

Dr. Peter K. Rogan Lab, Western University
No classification provided (evidence only). Condition: Nonpapillary renal cell carcinoma. Review status: no classification provided. Collection method: in vitro. Allele origin: not applicable. Functional consequence: retained intron. Not counted in ClinVar's aggregate classification.

NM_014855.3(AP5Z1):c.1685C>T (p.Ala562Val)

Gene: AP5Z1 (adaptor related protein complex 5 subunit zeta 1; plus strand). Cytogenetic location: 7p22.1.
Variant type: single nucleotide variant.
Coding change: c.1685C>T on transcript NM_014855.3 (MANE Select); coding-DNA position 1685, C replaced by T.
Protein change: p.Ala562Val; replaces alanine 562 with valine.
Molecular consequence: missense variant. On other transcripts: non-coding transcript variant (1).
Genome position (GRCh38, 1-based): chr7:4,788,929, C>T. VCF-style: chr7-4788929-C-T. GRCh37 (hg19) VCF-style: chr7-4828560-C-T.
Other names: c.1685C>T, p.Ala562Val (LRG_1247t1); c.1217C>T, p.Ala406Val (NM_001364858.1); short protein forms A562V, A406V.
Identifiers: ClinVar variation 567859 (VCV000567859.9), dbSNP rs370300896, ClinGen allele CA4137971.